The following is an entry in ClinVar:

ClinVar aggregate classification (germline): Benign (1 of 4 stars; one submission).

Conditions:
Growth delay due to insulin-like growth factor I resistance. Also called: Somatomedin end-organ insensitivity to; Somatomedin-c resistance to; IGF-1 resistance; IGF-I RESISTANCE; Insulin-Like Growth Factor I Resistance. Identifiers: Orphanet 73273, MedGen C1849157, MONDO:0010038, OMIM 270450.

Allele frequency attached by ClinVar (database versions not stated): gnomAD 0.00073 and 0.00098; gnomAD exomes 0.00086; TOPMed 0.00164; 1000 Genomes Project 30x 0.00484; 1000 Genomes Project 0.00559.
gnomAD v4.1: 222 of 233,364 alleles (0.095%); highest among the groups gnomAD compares: East Asian, 0.98%; no homozygotes.

Submission:

Illumina Laboratory Services, Illumina
Classification: Benign for Growth delay due to insulin-like growth factor I resistance. Last evaluated: 2018-01-12. Review status: criteria provided, single submitter. Criteria: ICSL Variant Classification Criteria 13 December 2019. Collection method: clinical testing. Allele origin: germline.
Comment: This variant was observed in the ICSL laboratory as part of a predisposition screen in an ostensibly healthy population. It had not been previously curated by ICSL or reported in the Human Gene Mutation Database (HGMD: prior to June 1st, 2018), and was therefore a candidate for classification through an automated scoring system. Utilizing variant allele frequency, disease prevalence and penetrance estimates, and inheritance mode, an automated score was calculated to assess if this variant is too frequent to cause the disease. Based on the score and internal cut-off values, a variant classified as benign is not then subjected to further curation. The score for this variant resulted in a classification of benign for this disease.

NM_000875.5(IGF1R):c.*4815G>A

Gene: IGF1R (insulin like growth factor 1 receptor; plus strand). Cytogenetic location: 15q26.3.
Variant type: single nucleotide variant.
Coding change: c.*4815G>A on transcript NM_000875.5 (MANE Select); 4815 bases downstream of the stop codon, G replaced by A.
Molecular consequence: 3 prime UTR variant.
Genome position (GRCh38, 1-based): chr15:98,962,257, G>A. VCF-style: chr15-98962257-G-A. GRCh37 (hg19) VCF-style: chr15-99505486-G-A.
Other names: c.*4815G>A (NM_001291858.2).
Identifiers: ClinVar variation 317593 (VCV000317593.5), dbSNP rs145781849, ClinGen allele CA10642769.